The following is an entry in ClinVar:

ClinVar aggregate classification (germline): Uncertain significance (1 of 4 stars; one submission).

Allele frequency attached by ClinVar (database versions not stated): gnomAD exomes 0.00003 and 0.00004; ExAC 0.00004; gnomAD 0.00004; ESP Exome Variant Server 0.00008; TOPMed 0.00011.
gnomAD v4.1: 63 of 1,614,046 alleles (0.0039%); highest among the groups gnomAD compares: Middle Eastern, 0.016%; no homozygotes.

Submission:

Labcorp Genetics (formerly Invitae), Labcorp
Classification: Uncertain significance. Last evaluated: 2025-09-24. Review status: criteria provided, single submitter. Criteria: Invitae Variant Classification Sherloc (09022015). Collection method: clinical testing. Allele origin: germline.
Comment: This sequence change replaces cysteine, which is neutral and slightly polar, with arginine, which is basic and polar, at codon 251 of the FBN3 protein (p.Cys251Arg). This variant is present in population databases (rs138319120, gnomAD 0.009%). This variant has not been reported in the literature in individuals affected with FBN3-related conditions. ClinVar contains an entry for this variant (Variation ID: 1426744). An algorithm developed to predict the effect of missense changes on protein structure and function (PolyPhen-2) suggests that this variant is likely to be disruptive. In summary, the available evidence is currently insufficient to determine the role of this variant in disease. Therefore, it has been classified as a Variant of Uncertain Significance.

NM_032447.5(FBN3):c.751T>C (p.Cys251Arg)

Gene: FBN3 (fibrillin 3; minus strand). Cytogenetic location: 19p13.2.
Variant type: single nucleotide variant.
Coding change: c.751T>C on transcript NM_032447.5 (MANE Select); coding-DNA position 751, T replaced by C.
Protein change: p.Cys251Arg; replaces cysteine 251 with arginine.
Molecular consequence: missense variant.
Genome position (GRCh38, 1-based): chr19:8,141,831, A>G on the plus strand (T>C on the coding strand, the complement: FBN3 is on the minus strand). VCF-style: chr19-8141831-A-G. GRCh37 (hg19) VCF-style: chr19-8206715-A-G.
Other names: c.751T>C, p.Cys251Arg (NM_001321431.2); short protein forms C251R.
Identifiers: ClinVar variation 1426744 (VCV001426744.6), dbSNP rs138319120, ClinGen allele CA9153597.